The following is an entry in ClinVar:

NM_000330.4(RS1):c.574C>A (p.Pro192Thr)

Genes: CDKL5 (cyclin dependent kinase like 5; plus strand), RS1 (retinoschisin 1; minus strand). Cytogenetic location: Xp22.13.
Variant type: single nucleotide variant.
Coding change: c.574C>A on transcript NM_000330.4 (MANE Select); coding-DNA position 574, C replaced by A.
Protein change: p.Pro192Thr; replaces proline 192 with threonine.
Molecular consequence: missense variant. On other transcripts: intron variant (2).
Genome position (GRCh38, 1-based): chrX:18,642,105, G>T on the plus strand (C>A on the coding strand, the complement: RS1 is on the minus strand). VCF-style: chrX-18642105-G-T. GRCh37 (hg19) VCF-style: chrX-18660225-G-T.
Other names: NM_000330.4(RS1):c.574C>A; p.Pro192Thr; c.2714-3902G>T (NM_003159.3, NM_001037343.2); short protein forms P192T.
Identifiers: ClinVar variation 98989 (VCV000098989.11), dbSNP rs61753174, ClinGen allele CA226784.

ClinVar aggregate classification (germline): Likely pathogenic. Review status: reviewed by expert panel (3 of 4 stars). 4 submissions from 4 submitters: Likely pathogenic (1). 3 of the submissions do not count toward it. Last evaluated 2026-09-26.

Conditions:
Retinal dystrophy. Also called: Inherited retinal dystrophy. Identifiers: Orphanet 71862, MedGen C0854723, MeSH D058499, MONDO:0019118, HP:0000556.
Juvenile retinoschisis (RS1). Also called: X-Linked Juvenile Retinoschisis; X-linked retinoschisis. Identifiers: Orphanet 792, MedGen C3714753, MONDO:0010725, OMIM 312700.

Submissions (4):

ClinGen X-linked Inherited Retinal Disease Variant Curation Expert Panel, ClinGen
Classification: Likely pathogenic for Juvenile retinoschisis. Last evaluated: 2026-09-26. Review status: reviewed by expert panel. Criteria: ClinGen X LinkedIRD ACMG Specifications RS1 V1.0.0. Collection method: curation. Allele origin: germline. Inheritance: X-linked inheritance.
Comment: The NM_000330.4(RS1):c.574C>A (p.Pro192Thr) variant is a missense variant encoding the substitution of Proline and Threonine at amino acid 192. This variant is absent from hemizygous individuals in gnomAD v4.1.0 (PM2_Supporting). The computational predictor REVEL gives a score of 0.913, which is within the ClinGen X-linked IRD VCEP range between 0.931 and 0.773 and predicts a damaging effect on RS1 function (PP3_moderate). The computational splicing predictor SpliceAI gives a delta score of 0.00 for all predictive splice changes, which is below the ClinGen X-linked IRD VCEP threshold of >0.2 and does not predict that the variant disrupts RS1 splicing. Another two missense variant in the same codon, NM_000330.4(RS1):c.574C>T (p.Pro192Ser), (PMIDs: 9326935, 10636421, 17987333, 19093009, 28348004, 30551202, 30652005, 34828422, 39293640, 17515881, 20809529) and NM_000330.4(RS1):c.575C>T (p.Pro192Leu), (PMIDs: 19093009, 19324861, 28348004, 33124204, 36460718, 32300273)has been classified as pathogenic for X-linked retinoschisis by the ClinGen X-linked IRD VCEP, while no benign missense variants have been identified in this codon. The present variant has a lower Grantham’s distance (38) than the comparison variant (98 / 74), and therefore, the PM5 code does not meet. Sergeev et al. used structure-based analysis to predict structural changes for 15 missense variants from the NEI data set (Data set I) affecting the XLRS phenotype. This variant, P192T, defines an almost 90° turn of the loop connecting β7 and β8 strands. This change will make the conformation of the 90° turn less rigid and could affect protein folding (PMID: 20061330). At least one proband harboring this variant exhibits the following phenotypes, including the appearance of schisis and reduced visual acuity before age 13 years, which together are specific for X-linked retinoschisis (PMID: 12457918, PP4). The variant has been reported to segregate with retinal dystrophy through >3 meioses in one family (PP1_Strong; PMID: 12457918). This variant has been reported in at least 1 proband meeting one of the PS4 requirements of a male diagnosed with XLRS, as well as a second apparently unrelated proband previously used for the PP4 code (PMIDs: 39462066, PS4_Supporting). In summary, this variant is classified as likely pathogenic for X-linked retinoschisis based on the ClinGen X-linked Inherited Retinal Disease Expert Panel Specifications to the ACMG/AMP Variant Interpretation Guidelines for RS1 Version 1.0.0: PM2_Supporting, PP3_Moderate, PP4, PP1_Strong, and PS4_Supporting.

Labcorp Genetics (formerly Invitae), Labcorp
Classification: Pathogenic. Last evaluated: 2022-11-22. Review status: criteria provided, single submitter. Criteria: Invitae Variant Classification Sherloc (09022015). Collection method: clinical testing. Allele origin: germline. Not counted in ClinVar's aggregate classification.
Comment: This missense change has been observed in individual(s) with X-linked juvenile retinoschisis (PMID: 12457918). It has also been observed to segregate with disease in related individuals. This sequence change replaces proline, which is neutral and non-polar, with threonine, which is neutral and polar, at codon 192 of the RS1 protein (p.Pro192Thr). This variant is not present in population databases (gnomAD no frequency). ClinVar contains an entry for this variant (Variation ID: 98989). Advanced modeling of protein sequence and biophysical properties (such as structural, functional, and spatial information, amino acid conservation, physicochemical variation, residue mobility, and thermodynamic stability) performed at Invitae indicates that this missense variant is expected to disrupt RS1 protein function. This variant disrupts the p.Pro192 amino acid residue in RS1. Other variant(s) that disrupt this residue have been determined to be pathogenic (PMID: 10533068, 28348004, 30551202, 30652005). This suggests that this residue is clinically significant, and that variants that disrupt this residue are likely to be disease-causing. For these reasons, this variant has been classified as Pathogenic.

Institute of Human Genetics, Univ. Regensburg, Univ. Regensburg
Classification: Pathogenic for Retinal dystrophy. Last evaluated: 2017-01-01. Review status: criteria provided, single submitter. Criteria: ACMG Guidelines, 2015. Collection method: clinical testing. Allele origin: germline. Affected: yes. Not counted in ClinVar's aggregate classification.

Retina International
No classification provided. Review status: no classification provided. Collection method: not provided. Allele origin: unknown. Not counted in ClinVar's aggregate classification.

Literature cited by the submitters: PubMed 12457918 (cited by Labcorp Genetics (formerly Invitae), Labcorp and Institute of Human Genetics, Univ. Regensburg, Univ. Regensburg); PubMed 10533068 (cited by Labcorp Genetics (formerly Invitae), Labcorp); PubMed 28348004 (cited by Labcorp Genetics (formerly Invitae), Labcorp); PubMed 30551202 (cited by Labcorp Genetics (formerly Invitae), Labcorp); PubMed 30652005 (cited by Labcorp Genetics (formerly Invitae), Labcorp); PubMed 2006133 (cited by Institute of Human Genetics, Univ. Regensburg, Univ. Regensburg).